The following is an entry in ClinVar:

NM_004519.4(KCNQ3):c.2212G>A (p.Ala738Thr)

Gene: KCNQ3 (potassium voltage-gated channel subfamily Q member 3; minus strand). Cytogenetic location: 8q24.22.
Variant type: single nucleotide variant.
Coding change: c.2212G>A on transcript NM_004519.4 (MANE Select); coding-DNA position 2212, G replaced by A.
Protein change: p.Ala738Thr; replaces alanine 738 with threonine.
Molecular consequence: missense variant.
Genome position (GRCh38, 1-based): chr8:132,129,669, C>T on the plus strand (G>A on the coding strand, the complement: KCNQ3 is on the minus strand). VCF-style: chr8-132129669-C-T. GRCh37 (hg19) VCF-style: chr8-133141916-C-T.
Other names: c.1852G>A, p.Ala618Thr (NM_001204824.2); short protein forms A618T, A738T.
Identifiers: ClinVar variation 4531117 (VCV004531117.1).
Genomic context (GRCh38, chr8:132,129,669, plus strand): 5'-CTCGGGAGTCGAGAAGAGTCAAGATAGGCAGGACCGTGGGCCTCTCCACATACGTTGTTG[C>T]TGAGGAAGGAGGAGTTGCCTGAACCTTTCCAGAACTGGGTCCCCCTCGGGGCAGGTTCAC-3'
Protein context (NP_004510.1, residues 728-748): GKVQATPPSS[Ala738Thr]TTYVERPTVL

ClinVar aggregate classification (germline): Uncertain significance (1 of 4 stars; one submission).

gnomAD v4.1: 2 of 1,614,050 alleles (0.00012%); highest among the groups gnomAD compares: South Asian, 0.0011%; no homozygotes.

Submission:

GeneDx
Classification: Uncertain significance. Last evaluated: 2025-05-20. Review status: criteria provided, single submitter. Criteria: GeneDx Variant Classification Process June 2021. Collection method: clinical testing. Allele origin: germline. Affected: yes.
Comment: Not observed at significant frequency in large population cohorts (gnomAD); In silico analysis suggests that this missense variant does not alter protein structure/function; Has not been previously published as pathogenic or benign to our knowledge